The following is an entry in ClinVar:

NM_130797.4(DPP6):c.627+21118A>G

Gene: DPP6 (dipeptidyl peptidase like 6; plus strand). Cytogenetic location: 7q36.2.
Variant type: single nucleotide variant.
Coding change: c.627+21118A>G on transcript NM_130797.4 (MANE Select); 21118 bases into the intron after coding-DNA position 627, A replaced by G.
Molecular consequence: intron variant. On other transcripts: missense variant (1), 3 prime UTR variant (1).
Genome position (GRCh38, 1-based): chr7:154,588,034, A>G. VCF-style: chr7-154588034-A-G. GRCh37 (hg19) VCF-style: chr7-154379744-A-G.
Other names: c.1012A>G, p.Ile338Val (NM_001290253.2); c.*860A>G (NM_001364502.2); c.444+21118A>G (NM_001364500.2, NM_001364499.2, NM_001364497.2 and 1 more transcripts); c.435+21118A>G (NM_001364501.2, NM_001039350.3); c.441+21118A>G (NM_001936.5, NM_001290252.2); short protein forms I338V.
Identifiers: ClinVar variation 5041467 (VCV005041467.1).

ClinVar aggregate classification (germline): Likely benign (1 of 4 stars; one submission).

Submission:

CeGaT Center for Human Genetics Tuebingen
Classification: Likely benign. Last evaluated: 2026-09-01. Review status: criteria provided, single submitter. Criteria: CeGaT Center For Human Genetics Tuebingen Variant Classification Criteria Version 2. Collection method: clinical testing. Allele origin: germline. Affected: yes. Observed: 1 variant allele.
Comment: DPP6: PM2, BP4, BS2